The following is an entry in ClinVar:

NM_003664.5(AP3B1):c.2411A>C (p.Lys804Thr)

Gene: AP3B1 (adaptor related protein complex 3 subunit beta 1; minus strand). Cytogenetic location: 5q14.1.
Variant type: single nucleotide variant.
Coding change: c.2411A>C on transcript NM_003664.5 (MANE Select); coding-DNA position 2411, A replaced by C.
Protein change: p.Lys804Thr; replaces lysine 804 with threonine.
Molecular consequence: missense variant.
Genome position (GRCh38, 1-based): chr5:78,101,012, T>G on the plus strand (A>C on the coding strand, the complement: AP3B1 is on the minus strand). VCF-style: chr5-78101012-T-G. GRCh37 (hg19) VCF-style: chr5-77396836-T-G.
Other names: c.2264A>C, p.Lys755Thr (NM_001271769.2); short protein forms K804T, K755T.
Identifiers: ClinVar variation 1395045 (VCV001395045.6), dbSNP rs1028498771, ClinGen allele CA121609481.

ClinVar aggregate classification (germline): Uncertain significance (1 of 4 stars; one submission).

Conditions:
Hermansky-Pudlak syndrome 2 (HPS2). Also called: Platelet defects and oculocutaneous albinism. Identifiers: Orphanet 183678, Orphanet 79430, MedGen C1842362, MONDO:0011997, OMIM 608233.

Allele frequency attached by ClinVar (database versions not stated): gnomAD exomes below 0.00001.
gnomAD v4.1: 1 of 1,471,402 alleles (0.000068%); highest among the groups gnomAD compares: Middle Eastern, 0.017%; no homozygotes.

Submission:

Labcorp Genetics (formerly Invitae), Labcorp
Classification: Uncertain significance for Hermansky-Pudlak syndrome 2. Last evaluated: 2022-07-19. Review status: criteria provided, single submitter. Criteria: Invitae Variant Classification Sherloc (09022015). Collection method: clinical testing. Allele origin: germline.
Comment: In summary, the available evidence is currently insufficient to determine the role of this variant in disease. Therefore, it has been classified as a Variant of Uncertain Significance. Algorithms developed to predict the effect of missense changes on protein structure and function (SIFT, PolyPhen-2, Align-GVGD) all suggest that this variant is likely to be tolerated. ClinVar contains an entry for this variant (Variation ID: 1395045). This variant has not been reported in the literature in individuals affected with AP3B1-related conditions. This variant is not present in population databases (gnomAD no frequency). This sequence change replaces lysine, which is basic and polar, with threonine, which is neutral and polar, at codon 804 of the AP3B1 protein (p.Lys804Thr).